The following is an entry in ClinVar:

NM_001283009.2(RTEL1):c.2715G>C (p.Gln905His)

Genes: RTEL1 (regulator of telomere elongation helicase 1; plus strand), RTEL1-TNFRSF6B (RTEL1-TNFRSF6B readthrough (NMD candidate); plus strand). Cytogenetic location: 20q13.33.
Variant type: single nucleotide variant.
Coding change: c.2715G>C on transcript NM_001283009.2 (MANE Select); coding-DNA position 2715, G replaced by C.
Protein change: p.Gln905His; replaces glutamine 905 with histidine.
Molecular consequence: missense variant. On other transcripts: non-coding transcript variant (1).
Genome position (GRCh38, 1-based): chr20:63,692,867, G>C. VCF-style: chr20-63692867-G-C. GRCh37 (hg19) VCF-style: chr20-62324220-G-C.
Other names: c.2046G>C, p.Gln682His (NM_001283010.1); c.2715G>C, p.Gln905His (NM_016434.4); c.2787G>C, p.Gln929His (NM_032957.5); short protein forms Q682H, Q905H, Q929H.
Identifiers: ClinVar variation 1440947 (VCV001440947.9), dbSNP rs1278177922, ClinGen allele CA409682895.

ClinVar aggregate classification (germline): Uncertain significance. Review status: criteria provided, multiple submitters, no conflicts (2 of 4 stars). 2 submissions from 2 submitters: Uncertain significance (2). Last evaluated 2025-12-21.

Conditions:
Pulmonary fibrosis and/or bone marrow failure, Telomere-related, 3. Also called: PULMONARY FIBROSIS AND/OR BONE MARROW FAILURE SYNDROME, TELOMERE-RELATED, 3. Identifiers: Orphanet 2032, MedGen C4225346, MONDO:0014613, OMIM 616373.
Dyskeratosis congenita, autosomal recessive 5 (DKCB5). Identifiers: MedGen C3554656, MONDO:0014076, OMIM 615190.
Inborn genetic diseases. Identifiers: MedGen C0950123, MeSH D030342.

gnomAD v4.1: 4 of 1,612,656 alleles (0.00025%); highest among the groups gnomAD compares: Non-Finnish European, 0.00034%; no homozygotes.

Submissions (2):

Labcorp Genetics (formerly Invitae), Labcorp
Classification: Uncertain significance for Dyskeratosis congenita, autosomal recessive 5; Pulmonary fibrosis and/or bone marrow failure, Telomere-related, 3. Last evaluated: 2025-12-21. Review status: criteria provided, single submitter. Criteria: Invitae Variant Classification Sherloc (09022015). Collection method: clinical testing. Allele origin: germline.
Comment: This sequence change replaces glutamine, which is neutral and polar, with histidine, which is basic and polar, at codon 905 of the RTEL1 protein (p.Gln905His). This variant is not present in population databases (gnomAD no frequency). This variant has not been reported in the literature in individuals affected with RTEL1-related conditions. ClinVar contains an entry for this variant (Variation ID: 1440947). An algorithm developed to predict the effect of missense changes on protein structure and function (PolyPhen-2) suggests that this variant is likely to be disruptive. In summary, the available evidence is currently insufficient to determine the role of this variant in disease. Therefore, it has been classified as a Variant of Uncertain Significance.

Ambry Genetics
Classification: Uncertain significance for Inborn genetic diseases. Last evaluated: 2025-01-06. Review status: criteria provided, single submitter. Criteria: Ambry Variant Classification Scheme 2023. Collection method: clinical testing. Allele origin: germline.
Comment: The p.Q905H variant (also known as c.2715G>C), located in coding exon 28 of the RTEL1 gene, results from a G to C substitution at nucleotide position 2715. The glutamine at codon 905 is replaced by histidine, an amino acid with highly similar properties. This amino acid position is conserved. In addition, this alteration is predicted to be tolerated by in silico analysis. Based on the available evidence, the clinical significance of this variant remains unclear.